The following is an entry in ClinVar:

NM_002087.4(GRN):c.1530T>C (p.Arg510=)

Gene: GRN (granulin precursor; plus strand). Cytogenetic location: 17q21.31.
Variant type: single nucleotide variant.
Coding change: c.1530T>C on transcript NM_002087.4 (MANE Select); coding-DNA position 1530, T replaced by C.
Protein change: p.Arg510=; no amino-acid change (arginine 510 retained).
Molecular consequence: synonymous variant.
Genome position (GRCh38, 1-based): chr17:44,352,457, T>C. VCF-style: chr17-44352457-T-C. GRCh37 (hg19) VCF-style: chr17-42429825-T-C.
Identifiers: ClinVar variation 4534902 (VCV004534902.6).

ClinVar aggregate classification (germline): Likely benign (1 of 4 stars; one submission).

Submission:

CeGaT Center for Human Genetics Tuebingen
Classification: Likely benign. Last evaluated: 2025-09-01. Review status: criteria provided, single submitter. Criteria: CeGaT Center For Human Genetics Tuebingen Variant Classification Criteria Version 2. Collection method: clinical testing. Allele origin: germline. Affected: yes. Observed: 1 variant allele.
Comment: GRN: PM2:Supporting, BP4, BP7